The following is an entry in ClinVar:

NM_025009.5(CEP135):c.143G>A (p.Arg48Gln)

Gene: CEP135 (centrosomal protein 135; plus strand). Cytogenetic location: 4q12.
Variant type: single nucleotide variant.
Coding change: c.143G>A on transcript NM_025009.5 (MANE Select); coding-DNA position 143, G replaced by A.
Protein change: p.Arg48Gln; replaces arginine 48 with glutamine.
Molecular consequence: missense variant.
Genome position (GRCh38, 1-based): chr4:55,953,114, G>A. VCF-style: chr4-55953114-G-A. GRCh37 (hg19) VCF-style: chr4-56819280-G-A.
Other names: short protein forms R48Q.
Identifiers: ClinVar variation 1337057 (VCV001337057.6), dbSNP rs199867478, ClinGen allele CA2927476.

ClinVar aggregate classification (germline): Uncertain significance. Review status: criteria provided, multiple submitters, no conflicts (2 of 4 stars). 2 submissions from 2 submitters: Uncertain significance (2). Last evaluated 2022-11-22.

Allele frequency attached by ClinVar (database versions not stated): gnomAD exomes 0.00005 and 0.00008; ExAC 0.00006; ESP Exome Variant Server 0.00015.
gnomAD v4.1: 86 of 1,595,260 alleles (0.0054%); highest among the groups gnomAD compares: East Asian, 0.025%; no homozygotes.

Submissions (2):

Labcorp Genetics (formerly Invitae), Labcorp
Classification: Uncertain significance. Last evaluated: 2022-11-22. Review status: criteria provided, single submitter. Criteria: Invitae Variant Classification Sherloc (09022015). Collection method: clinical testing. Allele origin: germline.
Comment: In summary, the available evidence is currently insufficient to determine the role of this variant in disease. Therefore, it has been classified as a Variant of Uncertain Significance. Algorithms developed to predict the effect of missense changes on protein structure and function are either unavailable or do not agree on the potential impact of this missense change (SIFT: "Deleterious"; PolyPhen-2: "Benign"; Align-GVGD: "Class C0"). ClinVar contains an entry for this variant (Variation ID: 1337057). This variant has not been reported in the literature in individuals affected with CEP135-related conditions. This variant is present in population databases (rs199867478, gnomAD 0.09%). This sequence change replaces arginine, which is basic and polar, with glutamine, which is neutral and polar, at codon 48 of the CEP135 protein (p.Arg48Gln).

Genetic Services Laboratory, University of Chicago
Classification: Uncertain significance. Last evaluated: 2019-02-26. Review status: criteria provided, single submitter. Criteria: ACMG Guidelines, 2015. Collection method: clinical testing. Allele origin: germline. Affected: no.